The following continues an entry in ClinVar:

NM_000152.5(GAA):c.2242dup (p.Glu748fs)

Gene: GAA. ClinVar aggregate classification (germline): Pathogenic. Pathogenic (1).

Submissions 10 to 13 of 13:

Blueprint Genetics
Classification: Pathogenic for GAA-related disorders. Last evaluated: 2021-12-21. Review status: criteria provided, single submitter. Criteria: ACMG Guidelines, 2015. Collection method: clinical testing. Allele origin: germline. Affected: yes. Observed: 1 variant allele. Not counted in ClinVar's aggregate classification.

Broad Center for Mendelian Genomics, Broad Institute of MIT and Harvard
Classification: Pathogenic for Glycogen storage disease, type II. Last evaluated: 2020-01-22. Review status: criteria provided, single submitter. Criteria: ACMG Guidelines, 2015. Collection method: curation. Allele origin: germline. Inheritance: Autosomal recessive inheritance. Not counted in ClinVar's aggregate classification.
Comment: The p.Glu748GlyfsTer48 variant in GAA has been reported in at least 5 individuals (including 2 from the UK, and 1 Italian individuals) with Glycogen Storage Disease II (PMID: 16917947, 9535769, 10206684, 21484825), and has also been reported likely pathogenic by Counsyl and pathogenic by GeneDx and EGL in ClinVar (Variation ID: 370651). This variant has been identified in 0.0018% (2/113202) of European (non-Finnish) chromosomes by the Genome Aggregation Database (gnomAD; dbSNP rs1057516659). Although this variant has been seen in the general population, its frequency is low enough to be consistent with a recessive carrier frequency. This variant is predicted to cause a frameshift, which alters the protein's amino acid sequence beginning at position 748 and leads to a premature termination codon 48 amino acids downstream. This alteration is then predicted to lead to a truncated or absent protein. Loss of function of the GAA gene is an established disease mechanism in autosomal recessive Glycogen Storage Disease II. The presence of this variant in combination with at least 2 pathogenic variants curated by our study and in individuals with Glycogen Storage Disease II increases the likelihood that the p.Glu748GlyfsTer48 variant is pathogenic (PMID: 9535769, 29122469). The phenotype of two individuals heterozygous for this variant is highly specific for Glycogen Storage Disease II with abnormally low GAA activity detected in fibroblasts (PMID: 9535769, 21484825). In summary, this variant meets criteria to be classified as pathogenic for Glycogen Storage Disease II in an autosomal recessive manner based on the predicted impact of the variant and multiple occurrences with pathogenic GAA variants in individuals with Glycogen Storage Disease II. ACMG/AMP Criteria applied: PVS1, PM3, PM2, PP4 (Richards 2015).

Eurofins Ntd Llc (ga)
Classification: Pathogenic. Last evaluated: 2017-01-31. Review status: criteria provided, single submitter. Criteria: EGL Classification Definitions 2015. Collection method: clinical testing. Allele origin: germline. Observed: 2 variant alleles, 2 heterozygotes. Not counted in ClinVar's aggregate classification.

Counsyl
Classification: Likely pathogenic for Glycogen storage disease, type II. Last evaluated: 2016-03-15. Review status: no assertion criteria provided. Collection method: clinical testing. Allele origin: unknown. Not counted in ClinVar's aggregate classification.

Literature cited by the submitters: PubMed 21484825 (cited by 5 submitters); PubMed 26873529 (cited by Genomenon, Inc and Women's Health and Genetics/Laboratory Corporation of America, LabCorp); PubMed 29382405 (cited by Genomenon, Inc); PubMed 37087815 (cited by Genomenon, Inc); PubMed 34501319 (cited by Genomenon, Inc); PubMed 31710733 (cited by Genomenon, Inc); PubMed 33073003 (cited by Genomenon, Inc); PubMed 39273088 (cited by Genomenon, Inc); PubMed 9535769 (cited by 5 submitters); PubMed 16917947 (cited by 5 submitters); PubMed 18425781 (cited by Labcorp Genetics (formerly Invitae), Labcorp); PubMed 22252923 (cited by Labcorp Genetics (formerly Invitae), Labcorp); PubMed 29122469 (cited by Labcorp Genetics (formerly Invitae), Labcorp); PubMed 10206684 (cited by Women's Health and Genetics/Laboratory Corporation of America, LabCorp and Broad Center for Mendelian Genomics, Broad Institute of MIT and Harvard).